The following is an entry in ClinVar:

NM_152618.3(BBS12):c.1658T>C (p.Leu553Pro)

Gene: BBS12 (Bardet-Biedl syndrome 12; plus strand). Cytogenetic location: 4q27.
Variant type: single nucleotide variant.
Coding change: c.1658T>C on transcript NM_152618.3 (MANE Select); coding-DNA position 1658, T replaced by C.
Protein change: p.Leu553Pro; replaces leucine 553 with proline.
Molecular consequence: missense variant.
Genome position (GRCh38, 1-based): chr4:122,743,550, T>C. VCF-style: chr4-122743550-T-C. GRCh37 (hg19) VCF-style: chr4-123664705-T-C.
Other names: c.1658T>C (NM_152618.2, NM_001178007.1); c.1658T>C, p.Leu553Pro (NM_001178007.2); short protein forms L553P.
Identifiers: ClinVar variation 2155501 (VCV002155501.9), dbSNP rs753004315, ClinGen allele CA358225603.
Genomic context (GRCh38, chr4:122,743,550, plus strand): 5'-AAAAGGTCTTCCTTGGAGGTGGTGCAGTTGAATTTTTGTGTCTTAGCTGTCTTCATATTC[T>C]TGCAGAGCAATCTCTGAAAAAAGAAAACCATGCCTGCTCAGGGTGGCTGCATAATACTTC-3'
Protein context (NP_689831.2, residues 543-563): EFLCLSCLHI[Leu553Pro]AEQSLKKENH

ClinVar aggregate classification (germline): Uncertain significance. Review status: criteria provided, multiple submitters, no conflicts (2 of 4 stars). 6 submissions from 6 submitters: Uncertain significance (6). Last evaluated 2026-03-25.

Conditions:
Bardet-Biedl syndrome 12 (BBS12). Identifiers: Orphanet 110, MedGen C1859570, MONDO:0014440, OMIM 615989.
Inborn genetic diseases. Identifiers: MedGen C0950123, MeSH D030342.
Bardet-Biedl syndrome (BBS). Identifiers: Orphanet 110, MedGen C0752166, MONDO:0015229.
BBS12-related disorder. Also called: BBS12-related condition.

Submissions (6):

PreventionGenetics, part of Exact Sciences
Classification: Uncertain significance for BBS12-related condition. Last evaluated: 2026-03-25. Review status: criteria provided, single submitter. Criteria: ACMG Guidelines, 2015. Collection method: clinical testing. Allele origin: germline.
Comment: The BBS12 c.1658T>C variant is predicted to result in the amino acid substitution p.Leu553Pro. This variant was previously reported in the heterozygous state in an individual with a disorder of sex development; however, no second plausible causative variant in the same gene was identified (supplementary data, Zidoune et al. 2022. PubMed ID: 36110220). This variant is reported in 0.00088% of alleles in individuals of European (Non-Finnish) descent in gnomAD. At this time, the clinical significance of this variant is uncertain due to the absence of conclusive functional and genetic evidence.

Genomic Medicine Center of Excellence, King Faisal Specialist Hospital and Research Centre
Classification: Uncertain significance for Bardet-Biedl syndrome 12. Last evaluated: 2024-12-19. Review status: criteria provided, single submitter. Criteria: ACMG Guidelines, 2015. Collection method: clinical testing. Allele origin: germline.

Blueprint Genetics
Classification: Uncertain significance. Last evaluated: 2024-05-10. Review status: criteria provided, single submitter. Criteria: ACMG Guidelines, 2015. Collection method: clinical testing. Allele origin: germline.

3billion
Classification: Uncertain significance for Bardet-Biedl syndrome 12. Last evaluated: 2023-12-03. Review status: criteria provided, single submitter. Criteria: ACMG Guidelines, 2015. Collection method: clinical testing. Allele origin: germline. Affected: yes.
Comment: The variant is observed at an extremely low frequency in the gnomAD v2.1.1 dataset (total allele frequency: <0.001%). Predicted Consequence/Location: The majority of the known disease-causing variants of this gene are variants expected to result in premature termination of the protein. Premature termination of the protein is a common disease-causing mechanism for this gene. In silico tool predictions suggest damaging effect of the variant on gene or gene product [REVEL: 0.60 (>=0.6, sensitivity 0.68 and specificity 0.92)]. Therefore, this variant is classified as VUS according to the recommendation of ACMG/AMP guideline.

Labcorp Genetics (formerly Invitae), Labcorp
Classification: Uncertain significance for Bardet-Biedl syndrome. Last evaluated: 2022-10-26. Review status: criteria provided, single submitter. Criteria: Invitae Variant Classification Sherloc (09022015). Collection method: clinical testing. Allele origin: germline.
Comment: This sequence change replaces leucine, which is neutral and non-polar, with proline, which is neutral and non-polar, at codon 553 of the BBS12 protein (p.Leu553Pro). This variant is present in population databases (no rsID available, gnomAD 0.0009%). This variant has not been reported in the literature in individuals affected with BBS12-related conditions. Advanced modeling of protein sequence and biophysical properties (such as structural, functional, and spatial information, amino acid conservation, physicochemical variation, residue mobility, and thermodynamic stability) performed at Invitae indicates that this missense variant is expected to disrupt BBS12 protein function. In summary, the available evidence is currently insufficient to determine the role of this variant in disease. Therefore, it has been classified as a Variant of Uncertain Significance.

Ambry Genetics
Classification: Uncertain significance for Inborn genetic diseases. Last evaluated: 2022-07-29. Review status: criteria provided, single submitter. Criteria: Ambry Variant Classification Scheme 2023. Collection method: clinical testing. Allele origin: germline.

Literature cited by the submitters: PubMed 33046855 (cited by Ambry Genetics).